The following is an entry in ClinVar:

NM_005097.4(LGI1):c.1388C>T (p.Ser463Phe)

Gene: LGI1 (leucine rich glioma inactivated 1; plus strand). Cytogenetic location: 10q23.33.
Variant type: single nucleotide variant.
Coding change: c.1388C>T on transcript NM_005097.4 (MANE Select); coding-DNA position 1388, C replaced by T.
Protein change: p.Ser463Phe; replaces serine 463 with phenylalanine.
Molecular consequence: missense variant. On other transcripts: non-coding transcript variant (1), intron variant (1).
Genome position (GRCh38, 1-based): chr10:93,797,517, C>T. VCF-style: chr10-93797517-C-T. GRCh37 (hg19) VCF-style: chr10-95557274-C-T.
Other names: c.1244C>T, p.Ser415Phe (NM_001308276.2); c.839-232C>T (NM_001308275.2); short protein forms S415F, S463F.
Identifiers: ClinVar variation 2902550 (VCV002902550.3), dbSNP rs766323679, ClinGen allele CA5611264.
Genomic context (GRCh38, chr10:93,797,517, plus strand): 5'-ACGTGTACATTTGCTTGACAAGATTCATTGGTGATTCCAAAGTCATGAAATGGGGAGGCT[C>T]CTCGTTCCAGGATATTCAGAGGATGCCATCGCGAGGATCCATGGTGTTCCAGCCTCTTCA-3'
Protein context (NP_005088.1, residues 453-473): GDSKVMKWGG[Ser463Phe]SFQDIQRMPS

ClinVar aggregate classification (germline): Uncertain significance (1 of 4 stars; one submission).

Conditions:
Autosomal dominant epilepsy with auditory features. Identifiers: Orphanet 101046, MedGen C1838062, MONDO:0010898.

Allele frequency attached by ClinVar (database versions not stated): ExAC 0.00004.
gnomAD v4.1: 13 of 1,614,156 alleles (0.00081%); highest among the groups gnomAD compares: South Asian, 0.011%; no homozygotes.

Submission:

Labcorp Genetics (formerly Invitae), Labcorp
Classification: Uncertain significance for Autosomal dominant epilepsy with auditory features. Last evaluated: 2023-10-06. Review status: criteria provided, single submitter. Criteria: Invitae Variant Classification Sherloc (09022015). Collection method: clinical testing. Allele origin: germline.
Comment: This sequence change replaces serine, which is neutral and polar, with phenylalanine, which is neutral and non-polar, at codon 463 of the LGI1 protein (p.Ser463Phe). This variant is present in population databases (rs766323679, gnomAD 0.02%). This variant has not been reported in the literature in individuals affected with LGI1-related conditions. Advanced modeling of protein sequence and biophysical properties (such as structural, functional, and spatial information, amino acid conservation, physicochemical variation, residue mobility, and thermodynamic stability) performed at Invitae indicates that this missense variant is not expected to disrupt LGI1 protein function. In summary, the available evidence is currently insufficient to determine the role of this variant in disease. Therefore, it has been classified as a Variant of Uncertain Significance.